The following is an entry in ClinVar:

NM_032199.3(ARID5B):c.303G>A (p.Lys101=)

Genes: ARID5B (AT-rich interaction domain 5B; plus strand), LOC130003875 (ATAC-STARR-seq lymphoblastoid active region 3400; plus strand). Cytogenetic location: 10q21.2.
Variant type: single nucleotide variant.
Coding change: c.303G>A on transcript NM_032199.3 (MANE Select); coding-DNA position 303, G replaced by A.
Protein change: p.Lys101=; no amino-acid change (lysine 101 retained).
Molecular consequence: synonymous variant.
Genome position (GRCh38, 1-based): chr10:61,940,209, G>A. VCF-style: chr10-61940209-G-A. GRCh37 (hg19) VCF-style: chr10-63699968-G-A.
Identifiers: ClinVar variation 4989475 (VCV004989475.1).

ClinVar aggregate classification (germline): Likely benign (1 of 4 stars; one submission).

Conditions:
ARID5B-related disorder. Also called: ARID5B-related condition.

gnomAD v4.1: 54 of 1,614,042 alleles (0.0033%); highest among the groups gnomAD compares: Non-Finnish European, 0.0042%; no homozygotes.

Submission:

PreventionGenetics, part of Exact Sciences
Classification: Likely benign for ARID5B-related condition. Last evaluated: 2025-01-02. Review status: criteria provided, single submitter. Criteria: ACMG Guidelines, 2015. Collection method: clinical testing. Allele origin: germline.
Comment: This variant is classified as likely benign based on ACMG/AMP sequence variant interpretation guidelines (Richards et al. 2015 PMID: 25741868, with internal and published modifications).